The following is an entry in ClinVar:

NM_002485.5(NBN):c.1221C>A (p.Cys407Ter)

Gene: NBN (nibrin; minus strand). Cytogenetic location: 8q21.3.
Variant type: single nucleotide variant.
Coding change: c.1221C>A on transcript NM_002485.5 (MANE Select); coding-DNA position 1221, C replaced by A.
Protein change: p.Cys407Ter; replaces cysteine 407 with a stop codon.
Molecular consequence: nonsense.
Genome position (GRCh38, 1-based): chr8:89,955,459, G>T on the plus strand (C>A on the coding strand, the complement: NBN is on the minus strand). VCF-style: chr8-89955459-G-T. GRCh37 (hg19) VCF-style: chr8-90967687-G-T.
Other names: c.975C>A, p.Cys325Ter (NM_001024688.3); short protein forms C325*, C407*.
Identifiers: ClinVar variation 2797921 (VCV002797921.3), dbSNP rs2129720470, ClinGen allele CA371656331.

ClinVar aggregate classification (germline): Pathogenic (1 of 4 stars; one submission).

Conditions:
Microcephaly, normal intelligence and immunodeficiency (NBS). Also called: Nijmegen breakage syndrome; Microcephaly with normal intelligence immunodeficiency and lymphoreticular malignancies; Nonsyndromal microcephaly autosomal recessive with normal intelligence; Seemanova syndrome 2; SEEMANOVA SYNDROME II; Ataxia telangiectasia variant V1. Identifiers: Orphanet 647, MedGen C0398791, MONDO:0009623, OMIM 251260.

Submission:

Labcorp Genetics (formerly Invitae), Labcorp
Classification: Pathogenic for Microcephaly, normal intelligence and immunodeficiency. Last evaluated: 2023-12-01. Review status: criteria provided, single submitter. Criteria: Invitae Variant Classification Sherloc (09022015). Collection method: clinical testing. Allele origin: germline.
Comment: This sequence change creates a premature translational stop signal (p.Cys407*) in the NBN gene. It is expected to result in an absent or disrupted protein product. Loss-of-function variants in NBN are known to be pathogenic (PMID: 9590180, 16415040). This variant is not present in population databases (gnomAD no frequency). This variant has not been reported in the literature in individuals affected with NBN-related conditions. For these reasons, this variant has been classified as Pathogenic.

Literature cited by the submitters: PubMed 9590180; PubMed 16415040.